The following is an entry in ClinVar:

NM_000044.6(AR):c.2319-46dup

Gene: AR (androgen receptor; plus strand). Cytogenetic location: Xq12.
Variant type: Duplication.
Coding change: c.2319-46dup on transcript NM_000044.6 (MANE Select); 46 bases into the intron before coding-DNA position 2319, one base duplicated (G; older notation c.2319-46dupG).
Molecular consequence: intron variant.
Genome position (GRCh38, 1-based): chrX:67,721,787, G duplicated. VCF-style (leftmost placement, unchanged base first): chrX-67721786-T-TG. GRCh37 (hg19) VCF-style: chrX-66941628-T-TG.
Other names: c.2319-46_2319-45insG (NM_000044.6); c.723-46dup (NM_001011645.3).
Identifiers: ClinVar variation 4280652 (VCV004280652.1).

ClinVar aggregate classification (germline): Likely benign (1 of 4 stars; one submission).

Conditions:
Androgen resistance syndrome (AIS). Also called: Androgen insensitivity syndrome due to coactivator deficiency; Androgen insensitivity; DHTR DEFICIENCY; ANDROGEN RECEPTOR DEFICIENCY; DIHYDROTESTOSTERONE RECEPTOR DEFICIENCY; TESTICULAR FEMINIZATION SYNDROME. Identifiers: Orphanet 754, Orphanet 99429, MedGen C0039585, MONDO:0019154, OMIM 300068. Disease mechanism: loss of function.

Submission:

Center of Excellence of Human Genetics, National Research Center
Classification: Likely benign for Androgen resistance syndrome. Review status: criteria provided, single submitter. Criteria: ACMG Guidelines, 2015. Collection method: clinical testing. Allele origin: maternal. Inheritance: X-linked inheritance. Affected: yes.
Comment: The variant is detected in our lab in 3 patients (46,XY) and in homozygous in their healthy mothers. The position is not conserved (phyloP = 0.029). Although the variant is not found in gnomAD genomes, our studied cohort may be underestimated in the gnomAD database, allowing the c.2319-46dupG variant to meet the criteria for classification as likely benign.

Literature cited by the submitters: DOI 10.1038/s41598-018-20691-9.